The following is an entry in ClinVar:

ClinVar aggregate classification (germline): Uncertain significance (1 of 4 stars; one submission).

Conditions:
Schuurs-Hoeijmakers syndrome. Also called: PACS1-Related Neurodevelopmental Disorder. Identifiers: Orphanet 329224, MedGen C3554343, MONDO:0014006, OMIM 615009.

Allele frequency attached by ClinVar (database versions not stated): gnomAD exomes 0.00001; gnomAD 0.00001; TOPMed 0.00001; ExAC 0.00003.
gnomAD v4.1: 10 of 1,614,004 alleles (0.00062%); highest among the groups gnomAD compares: Middle Eastern, 0.066%; no homozygotes.

Submission:

Labcorp Genetics (formerly Invitae), Labcorp
Classification: Uncertain significance for Schuurs-Hoeijmakers syndrome. Last evaluated: 2025-09-21. Review status: criteria provided, single submitter. Criteria: Invitae Variant Classification Sherloc (09022015). Collection method: clinical testing. Allele origin: germline.
Comment: This sequence change falls in intron 12 of the PACS1 gene. It does not directly change the encoded amino acid sequence of the PACS1 protein. It affects a nucleotide within the consensus splice site. This variant is present in population databases (rs749490586, gnomAD 0.004%). This variant has not been reported in the literature in individuals affected with PACS1-related conditions. ClinVar contains an entry for this variant (Variation ID: 2900918). Variants that disrupt the consensus splice site are a relatively common cause of aberrant splicing (PMID: 17576681, 9536098). Algorithms developed to predict the effect of sequence changes on RNA splicing suggest that this variant is not likely to affect RNA splicing. In summary, the available evidence is currently insufficient to determine the role of this variant in disease. Therefore, it has been classified as a Variant of Uncertain Significance.

Literature cited by the submitters: PubMed 17576681; PubMed 9536098.

NM_018026.4(PACS1):c.1491-3C>T

Gene: PACS1 (phosphofurin acidic cluster sorting protein 1; plus strand). Cytogenetic location: 11q13.2.
Variant type: single nucleotide variant.
Coding change: c.1491-3C>T on transcript NM_018026.4 (MANE Select); 3 bases into the intron before coding-DNA position 1491, C replaced by T.
Molecular consequence: intron variant.
Genome position (GRCh38, 1-based): chr11:66,230,802, C>T. VCF-style: chr11-66230802-C-T. GRCh37 (hg19) VCF-style: chr11-65998273-C-T.
Identifiers: ClinVar variation 2900918 (VCV002900918.3), dbSNP rs749490586, ClinGen allele CA6116593.
Genomic context (GRCh38, chr11:66,230,802, plus strand): 5'-GGCTGGCAGCAGCTTTGGGGTTGGAGGGGCTATTTCACCAGCCTTTTTCCACCTCCCTGG[C>T]AGCAAAGTGGAGGGGGTGCACACACCCCGGCAGAAGAGGAGCACGCCCCTGAAGGAGCGG-3'